The following is an entry in ClinVar:

NM_000053.4(ATP7B):c.1231G>A (p.Glu411Lys)

Gene: ATP7B (ATPase copper transporting beta; minus strand). Cytogenetic location: 13q14.3.
Variant type: single nucleotide variant.
Coding change: c.1231G>A on transcript NM_000053.4 (MANE Select); coding-DNA position 1231, G replaced by A.
Protein change: p.Glu411Lys; replaces glutamic acid 411 with lysine.
Molecular consequence: missense variant.
Genome position (GRCh38, 1-based): chr13:51,973,989, C>T on the plus strand (G>A on the coding strand, the complement: ATP7B is on the minus strand). VCF-style: chr13-51973989-C-T. GRCh37 (hg19) VCF-style: chr13-52548125-C-T.
Other names: c.1231G>A, p.Glu411Lys (NM_001005918.3, NM_001330578.2, NM_001330579.2); c.898G>A, p.Glu300Lys (NM_001243182.2); short protein forms E411K, E300K.
Identifiers: ClinVar variation 312392 (VCV000312392.12), dbSNP rs886050308, ClinGen allele CA10639707.
Genomic context (GRCh38, chr13:51,973,989, plus strand): 5'-ACGTACCAGAAACGACTGAAGCCTCAAATCCCATGTCTTCTATAGCAGCTCTGAGTTCTT[C>T]TGGGCTAATTACAGAGGGATTATAAAGAACTGTTGCAGTCCCTTCGGCCAAAGACACCGA-3'
Protein context (NP_000044.2, residues 401-421): VLYNPSVISP[Glu411Lys]ELRAAIEDMG

ClinVar aggregate classification (germline): Uncertain significance. Review status: criteria provided, multiple submitters, no conflicts (2 of 4 stars). 5 submissions from 5 submitters: Uncertain significance (5). Last evaluated 2024-04-25.

Conditions:
Wilson disease (WND). Also called: Wilson's disease. Identifiers: Orphanet 905, MedGen C0019202, MONDO:0010200, OMIM 277900. Disease mechanism: loss of function.

Allele frequency attached by ClinVar (database versions not stated): TOPMed 0.00001.

Submissions (5):

All of Us Research Program, National Institutes of Health
Classification: Uncertain significance for Wilson disease. Last evaluated: 2024-04-25. Review status: criteria provided, single submitter. Criteria: ACMG Guidelines, 2015. Collection method: clinical testing. Allele origin: germline. Inheritance: Autosomal recessive inheritance. Observed: 1 variant allele, 1 heterozygote.
Comment: This missense variant replaces glutamic acid with lysine at codon 411 of the ATP7B protein. Computational prediction is inconclusive regarding the impact of this variant on protein structure and function (internally defined REVEL score threshold 0.5 < inconclusive < 0.7, PMID: 27666373). To our knowledge, functional studies have not been reported for this variant. This variant has not been reported in individuals affected with ATP7B-related disorders in the literature. This variant has not been identified in the general population by the Genome Aggregation Database (gnomAD). The available evidence is insufficient to determine the role of this variant in disease conclusively. Therefore, this variant is classified as a Variant of Uncertain Significance.

This study involves interpretation of variants in research participants for the purpose of population health screening. Participant phenotype was not available at the time of variant classification. Additional details can be found in publication PMID: 35346344, PMCID: PMC8962531

Labcorp Genetics (formerly Invitae), Labcorp
Classification: Uncertain significance for Wilson disease. Last evaluated: 2022-05-12. Review status: criteria provided, single submitter. Criteria: Invitae Variant Classification Sherloc (09022015). Collection method: clinical testing. Allele origin: germline.
Comment: This sequence change replaces glutamic acid, which is acidic and polar, with lysine, which is basic and polar, at codon 411 of the ATP7B protein (p.Glu411Lys). This variant is not present in population databases (gnomAD no frequency). This variant has not been reported in the literature in individuals affected with ATP7B-related conditions. ClinVar contains an entry for this variant (Variation ID: 312392). Algorithms developed to predict the effect of missense changes on protein structure and function are either unavailable or do not agree on the potential impact of this missense change (SIFT: "Deleterious"; PolyPhen-2: "Possibly Damaging"; Align-GVGD: "Class C15"). In summary, the available evidence is currently insufficient to determine the role of this variant in disease. Therefore, it has been classified as a Variant of Uncertain Significance.

Genome-Nilou Lab
Classification: Uncertain significance for Wilson disease. Last evaluated: 2021-09-05. Review status: criteria provided, single submitter. Criteria: ACMG Guidelines, 2015. Collection method: clinical testing. Allele origin: germline. Affected: no.

Centre for Mendelian Genomics, University Medical Centre Ljubljana
Classification: Uncertain significance for Wilson disease. Last evaluated: 2018-11-26. Review status: criteria provided, single submitter. Criteria: ACMG Guidelines, 2015. Collection method: clinical testing. Allele origin: unknown. Affected: yes.
Comment: This variant was classified as: Uncertain significance. The following ACMG criteria were applied in classifying this variant: PM2,PP2,PP3,PM5.

Illumina Laboratory Services, Illumina
Classification: Uncertain significance for Wilson disease. Last evaluated: 2018-01-13. Review status: criteria provided, single submitter. Criteria: ICSL Variant Classification Criteria 13 December 2019. Collection method: clinical testing. Allele origin: germline.